The following is an entry in ClinVar:

NM_000391.4(TPP1):c.1362A>G (p.Ala454=)

Gene: TPP1 (tripeptidyl peptidase 1; minus strand). Cytogenetic location: 11p15.4.
Variant type: single nucleotide variant.
Coding change: c.1362A>G on transcript NM_000391.4 (MANE Select); coding-DNA position 1362, A replaced by G.
Protein change: p.Ala454=; no amino-acid change (alanine 454 retained).
Molecular consequence: synonymous variant.
Genome position (GRCh38, 1-based): chr11:6,615,234, T>C on the plus strand (A>G on the coding strand, the complement: TPP1 is on the minus strand). VCF-style: chr11-6615234-T-C. GRCh37 (hg19) VCF-style: chr11-6636465-T-C.
Identifiers: ClinVar variation 382535 (VCV000382535.11), dbSNP rs141701073, ClinGen allele CA5858670.

ClinVar aggregate classification (germline): Likely benign. Review status: criteria provided, multiple submitters, no conflicts (2 of 4 stars). 3 submissions from 3 submitters: Likely benign (2). 1 of the submissions does not count toward it. Last evaluated 2026-01-24.

Conditions:
TPP1-related disorder. Also called: TPP1-related condition.

Allele frequency attached by ClinVar (database versions not stated): ExAC 0.00001; gnomAD 0.00001; TOPMed 0.00002; ESP Exome Variant Server 0.00015.

Submissions (3):

Labcorp Genetics (formerly Invitae), Labcorp
Classification: Likely benign. Last evaluated: 2026-01-24. Review status: criteria provided, single submitter. Criteria: Invitae Variant Classification Sherloc (09022015). Collection method: clinical testing. Allele origin: germline.

GeneDx
Classification: Likely benign. Last evaluated: 2015-12-29. Review status: criteria provided, single submitter. Criteria: GeneDx Variant Classification (06012015). Collection method: clinical testing. Allele origin: germline. Affected: yes.
Comment: This variant is considered likely benign or benign based on one or more of the following criteria: it is a conservative change, it occurs at a poorly conserved position in the protein, it is predicted to be benign by multiple in silico algorithms, and/or has population frequency not consistent with disease.

PreventionGenetics, part of Exact Sciences
Classification: Likely benign for TPP1-related condition. Last evaluated: 2020-03-17. Review status: no assertion criteria provided. Collection method: clinical testing. Allele origin: germline. Not counted in ClinVar's aggregate classification.
Comment: This variant is classified as likely benign based on ACMG/AMP sequence variant interpretation guidelines (Richards et al. 2015 PMID: 25741868, with internal and published modifications).